The following is an entry in ClinVar:

ClinVar aggregate classification (germline): Uncertain significance (1 of 4 stars; one submission).

Allele frequency attached by ClinVar (database versions not stated): gnomAD below 0.00001 and 0.00003; gnomAD exomes below 0.00001.
gnomAD v4.1: 9 of 1,613,972 alleles (0.00056%); highest among the groups gnomAD compares: Middle Eastern, 0.033%; no homozygotes.

Submission:

Labcorp Genetics (formerly Invitae), Labcorp
Classification: Uncertain significance. Last evaluated: 2020-02-18. Review status: criteria provided, single submitter. Criteria: Invitae Variant Classification Sherloc (09022015). Collection method: clinical testing. Allele origin: germline.
Comment: In summary, the available evidence is currently insufficient to determine the role of this variant in disease. Therefore, it has been classified as a Variant of Uncertain Significance. Algorithms developed to predict the effect of missense changes on protein structure and function are either unavailable or do not agree on the potential impact of this missense change (SIFT: "Deleterious"; PolyPhen-2: "Possibly Damaging"; Align-GVGD: "Class C0"). This variant has not been reported in the literature in individuals with CNGB1-related conditions. This variant is not present in population databases (ExAC no frequency). This sequence change replaces threonine with alanine at codon 845 of the CNGB1 protein (p.Thr845Ala). The threonine residue is highly conserved and there is a small physicochemical difference between threonine and alanine.

NM_001297.5(CNGB1):c.2533A>G (p.Thr845Ala)

Gene: CNGB1 (cyclic nucleotide gated channel subunit beta 1; minus strand). Cytogenetic location: 16q21.
Variant type: single nucleotide variant.
Coding change: c.2533A>G on transcript NM_001297.5 (MANE Select); coding-DNA position 2533, A replaced by G.
Protein change: p.Thr845Ala; replaces threonine 845 with alanine.
Molecular consequence: missense variant.
Genome position (GRCh38, 1-based): chr16:57,904,835, T>C on the plus strand (A>G on the coding strand, the complement: CNGB1 is on the minus strand). VCF-style: chr16-57904835-T-C. GRCh37 (hg19) VCF-style: chr16-57938739-T-C.
Other names: c.2515A>G, p.Thr839Ala (NM_001286130.2); short protein forms T839A, T845A.
Identifiers: ClinVar variation 1014900 (VCV001014900.9), dbSNP rs907470991, ClinGen allele CA281591241.
Genomic context (GRCh38, chr16:57,904,835, plus strand): 5'-AATTCAGCAGCTGGAAGACAATTTCAAAGAGTGTCTTGGGGTCAGGCAGCCCCCCGATGG[T>C]GATGAGGGTCTTCACAGCAAAGTAGTAACAGCGAATATAACTGGAGAGAGAGGAGAAAGG-3'
Protein context (NP_001288.3, residues 835-855): CYYFAVKTLI[Thr845Ala]IGGLPDPKTL